The following is an entry in ClinVar:

ClinVar aggregate classification (germline): Uncertain significance (1 of 4 stars; one submission).

Conditions:
Werner syndrome (WRN). Identifiers: Orphanet 902, MedGen C0043119, MONDO:0010196, OMIM 277700.

Allele frequency attached by ClinVar (database versions not stated): gnomAD exomes 0.00001.

Submission:

Labcorp Genetics (formerly Invitae), Labcorp
Classification: Uncertain significance for Werner syndrome. Last evaluated: 2022-06-01. Review status: criteria provided, single submitter. Criteria: Invitae Variant Classification Sherloc (09022015). Collection method: clinical testing. Allele origin: germline.
Comment: In summary, the available evidence is currently insufficient to determine the role of this variant in disease. Therefore, it has been classified as a Variant of Uncertain Significance. Algorithms developed to predict the effect of missense changes on protein structure and function are either unavailable or do not agree on the potential impact of this missense change (SIFT: "Not Available"; PolyPhen-2: "Probably Damaging"; Align-GVGD: "Not Available"). This variant has not been reported in the literature in individuals affected with WRN-related conditions. This variant is present in population databases (no rsID available, gnomAD 0.0009%). This sequence change replaces lysine, which is basic and polar, with arginine, which is basic and polar, at codon 146 of the WRN protein (p.Lys146Arg).

NM_000553.6(WRN):c.437A>G (p.Lys146Arg)

Gene: WRN (WRN RecQ like helicase; plus strand). Cytogenetic location: 8p12.
Variant type: single nucleotide variant.
Coding change: c.437A>G on transcript NM_000553.6 (MANE Select); coding-DNA position 437, A replaced by G.
Protein change: p.Lys146Arg; replaces lysine 146 with arginine.
Molecular consequence: missense variant.
Genome position (GRCh38, 1-based): chr8:31,064,996, A>G. VCF-style: chr8-31064996-A-G. GRCh37 (hg19) VCF-style: chr8-30922512-A-G.
Other names: short protein forms K146R.
Identifiers: ClinVar variation 2089958 (VCV002089958.4), dbSNP rs1441501404, ClinGen allele CA370914842.